The following is an entry in ClinVar:

ClinVar aggregate classification (germline): Uncertain significance (1 of 4 stars; one submission).

Submission:

Labcorp Genetics (formerly Invitae), Labcorp
Classification: Uncertain significance. Last evaluated: 2026-01-18. Review status: criteria provided, single submitter. Criteria: Invitae Variant Classification Sherloc (09022015). Collection method: clinical testing. Allele origin: germline.
Comment: This sequence change replaces tyrosine, which is neutral and polar, with cysteine, which is neutral and slightly polar, at codon 310 of the APOA4 protein (p.Tyr310Cys). This variant is not present in population databases (gnomAD no frequency). This variant has not been reported in the literature in individuals affected with APOA4-related conditions. Invitae Evidence Modeling of protein sequence and biophysical properties (such as structural, functional, and spatial information, amino acid conservation, physicochemical variation, residue mobility, and thermodynamic stability) has been performed for this missense variant. However, the output from this modeling did not meet the statistical confidence thresholds required to predict the impact of this variant on APOA4 protein function. In summary, the available evidence is currently insufficient to determine the role of this variant in disease. Therefore, it has been classified as a Variant of Uncertain Significance.

NM_000482.4(APOA4):c.929A>G (p.Tyr310Cys)

Gene: APOA4 (apolipoprotein A4; minus strand). Cytogenetic location: 11q23.3.
Variant type: single nucleotide variant.
Coding change: c.929A>G on transcript NM_000482.4 (MANE Select); coding-DNA position 929, A replaced by G.
Protein change: p.Tyr310Cys; replaces tyrosine 310 with cysteine.
Molecular consequence: missense variant.
Genome position (GRCh38, 1-based): chr11:116,821,129, T>C on the plus strand (A>G on the coding strand, the complement: APOA4 is on the minus strand). VCF-style: chr11-116821129-T-C. GRCh37 (hg19) VCF-style: chr11-116691845-T-C.
Other names: short protein forms Y310C.
Identifiers: ClinVar variation 4781717 (VCV004781717.1).